The following is an entry in ClinVar:

ClinVar aggregate classification (germline): Conflicting classifications of pathogenicity. Review status: criteria provided, conflicting classifications (1 of 4 stars). 5 submissions from 5 submitters: Uncertain significance (4); Likely benign (1). Last evaluated 2025-10-02.

Conditions:
Dyskeratosis congenita. Identifiers: Orphanet 1775, MedGen C0265965, MONDO:0015780.
Dyskeratosis congenita, autosomal dominant 2. Identifiers: MedGen C3151443, MONDO:0013521, OMIM 613989.
Idiopathic Pulmonary Fibrosis. Also called: Idiopathic fibrosing alveolitis, chronic form; idiopathic fibrosing alveolitis. Identifiers: Orphanet 2032, MedGen C1800706, MeSH D054990, MONDO:0800504.

Allele frequency attached by ClinVar (database versions not stated): ExAC 0.00002; gnomAD 0.00002 and 0.00003; gnomAD exomes 0.00002; TOPMed 0.00004.
gnomAD v4.1: 54 of 1,614,154 alleles (0.0033%); highest among the groups gnomAD compares: Non-Finnish European, 0.0041%; no homozygotes.

Submissions (5):

Mayo Clinic Laboratories, Mayo Clinic
Classification: Uncertain significance. Last evaluated: 2025-10-02. Review status: criteria provided, single submitter. Criteria: ACMG Guidelines, 2015. Collection method: clinical testing. Allele origin: germline. Observed: 1 variant allele.

Labcorp Genetics (formerly Invitae), Labcorp
Classification: Likely benign for Dyskeratosis congenita, autosomal dominant 2; Idiopathic Pulmonary Fibrosis. Last evaluated: 2025-07-27. Review status: criteria provided, single submitter. Criteria: Invitae Variant Classification Sherloc (09022015). Collection method: clinical testing. Allele origin: germline.

Ambry Genetics
Classification: Uncertain significance for Dyskeratosis congenita. Last evaluated: 2025-03-16. Review status: criteria provided, single submitter. Criteria: Ambry Variant Classification Scheme 2023. Collection method: clinical testing. Allele origin: germline.
Comment: The p.A751T variant (also known as c.2251G>A), located in coding exon 6 of the TERT gene, results from a G to A substitution at nucleotide position 2251. The alanine at codon 751 is replaced by threonine, an amino acid with similar properties. This amino acid position is conserved. In addition, this alteration is predicted to be tolerated by in silico analysis. Since supporting evidence is limited at this time, the clinical significance of this alteration remains unclear.

Baylor Genetics
Classification: Uncertain significance for Dyskeratosis congenita, autosomal dominant 2. Last evaluated: 2024-03-06. Review status: criteria provided, single submitter. Criteria: ACMG Guidelines, 2015. Collection method: clinical testing. Allele origin: unknown.

GeneDx
Classification: Uncertain significance. Last evaluated: 2023-09-17. Review status: criteria provided, single submitter. Criteria: GeneDx Variant Classification Process June 2021. Collection method: clinical testing. Allele origin: germline. Affected: yes.
Comment: In silico analysis supports that this missense variant does not alter protein structure/function; Has not been previously published as pathogenic or benign to our knowledge

NM_198253.3(TERT):c.2251G>A (p.Ala751Thr)

Gene: TERT (telomerase reverse transcriptase; minus strand). Cytogenetic location: 5p15.33.
Variant type: single nucleotide variant.
Coding change: c.2251G>A on transcript NM_198253.3 (MANE Select); coding-DNA position 2251, G replaced by A.
Protein change: p.Ala751Thr; replaces alanine 751 with threonine.
Molecular consequence: missense variant. On other transcripts: non-coding transcript variant (2).
Genome position (GRCh38, 1-based): chr5:1,278,676, C>T on the plus strand (G>A on the coding strand, the complement: TERT is on the minus strand). VCF-style: chr5-1278676-C-T. GRCh37 (hg19) VCF-style: chr5-1278791-C-T.
Other names: p.Ala751Thr; c.2251G>A, p.Ala751Thr (NM_001193376.3); short protein forms A751T.
Identifiers: ClinVar variation 665424 (VCV000665424.14), dbSNP rs772070672, ClinGen allele CA3184619.